The following is an entry in ClinVar:

ClinVar aggregate classification (germline): Uncertain significance (1 of 4 stars; one submission).

Conditions:
Hereditary cancer-predisposing syndrome. Also called: Neoplastic Syndromes, Hereditary; Tumor predisposition; Hereditary Cancer Syndrome; Hereditary neoplastic syndrome. Identifiers: Orphanet 140162, MedGen C0027672, MeSH D009386, MONDO:0015356.

Submission:

Color Diagnostics, LLC DBA Color Health
Classification: Uncertain significance for Hereditary cancer-predisposing syndrome. Last evaluated: 2019-08-05. Review status: criteria provided, single submitter. Criteria: ACMG Guidelines, 2015. Collection method: clinical testing. Allele origin: germline.
Comment: This variant causes a T>C nucleotide substitution at the -6 position of intron 14 of the BAP1 gene. Splice site prediction tools are inconclusive regarding the impact of this variant on RNA splicing. To our knowledge, functional studies have not been performed for this variant. This variant has not been reported in individuals affected with hereditary cancer in the literature. This variant has not been identified in the general population by the Genome Aggregation Database (gnomAD). The available evidence is insufficient to determine the role of this variant in disease conclusively. Therefore, this variant is classified as a Variant of Uncertain Significance.

NM_004656.4(BAP1):c.1891-6T>C

Gene: BAP1 (BRCA1 associated deubiquitinase 1; minus strand). Cytogenetic location: 3p21.1.
Variant type: single nucleotide variant.
Coding change: c.1891-6T>C on transcript NM_004656.4 (MANE Select); 6 bases into the intron before coding-DNA position 1891, T replaced by C.
Molecular consequence: intron variant.
Genome position (GRCh38, 1-based): chr3:52,402,877, A>G on the plus strand (T>C on the coding strand, the complement: BAP1 is on the minus strand). VCF-style: chr3-52402877-A-G. GRCh37 (hg19) VCF-style: chr3-52436893-A-G.
Identifiers: ClinVar variation 926288 (VCV000926288.3), dbSNP rs1705012028, ClinGen allele CA353097067.